The following is an entry in ClinVar:

NM_002458.3(MUC5B):c.1611G>A (p.Leu537=)

Gene: MUC5B (mucin 5B, oligomeric mucus/gel-forming; plus strand). Cytogenetic location: 11p15.5.
Variant type: single nucleotide variant.
Coding change: c.1611G>A on transcript NM_002458.3 (MANE Select); coding-DNA position 1611, G replaced by A.
Protein change: p.Leu537=; no amino-acid change (leucine 537 retained).
Molecular consequence: synonymous variant.
Genome position (GRCh38, 1-based): chr11:1,231,493, G>A. VCF-style: chr11-1231493-G-A. GRCh37 (hg19) VCF-style: chr11-1252723-G-A.
Identifiers: ClinVar variation 2641184 (VCV002641184.24), dbSNP rs776649393, ClinGen allele CA5804357.

ClinVar aggregate classification (germline): Likely benign (1 of 4 stars; one submission).

Allele frequency attached by ClinVar (database versions not stated): gnomAD exomes below 0.00001; ExAC 0.00001.

Submission:

CeGaT Center for Human Genetics Tuebingen
Classification: Likely benign. Last evaluated: 2022-06-01. Review status: criteria provided, single submitter. Criteria: CeGaT Center For Human Genetics Tuebingen Variant Classification Criteria Version 2. Collection method: clinical testing. Allele origin: germline. Affected: yes. Observed: 1 variant allele.
Comment: MUC5B: BP4, BP7